The following is an entry in ClinVar:

NM_014413.4(EIF2AK1):c.991G>C (p.Ala331Pro)

Gene: EIF2AK1 (eukaryotic translation initiation factor 2 alpha kinase 1; minus strand). Cytogenetic location: 7p22.1.
Variant type: single nucleotide variant.
Coding change: c.991G>C on transcript NM_014413.4 (MANE Select); coding-DNA position 991, G replaced by C.
Protein change: p.Ala331Pro; replaces alanine 331 with proline.
Molecular consequence: missense variant.
Genome position (GRCh38, 1-based): chr7:6,041,020, C>G on the plus strand (G>C on the coding strand, the complement: EIF2AK1 is on the minus strand). VCF-style: chr7-6041020-C-G. GRCh37 (hg19) VCF-style: chr7-6080651-C-G.
Other names: c.988G>C, p.Ala330Pro (NM_001134335.2); short protein forms A330P, A331P.
Identifiers: ClinVar variation 2076945 (VCV002076945.4), dbSNP rs2536902619, ClinGen allele CA366753699.

ClinVar aggregate classification (germline): Uncertain significance (1 of 4 stars; one submission).

Allele frequency attached by ClinVar (database versions not stated): gnomAD exomes below 0.00001.
gnomAD v4.1: 2 of 1,614,132 alleles (0.00012%); highest among the groups gnomAD compares: Admixed American, 0.0017%; no homozygotes.

Submission:

Labcorp Genetics (formerly Invitae), Labcorp
Classification: Uncertain significance. Last evaluated: 2024-11-05. Review status: criteria provided, single submitter. Criteria: Invitae Variant Classification Sherloc (09022015). Collection method: clinical testing. Allele origin: germline.
Comment: This sequence change replaces alanine, which is neutral and non-polar, with proline, which is neutral and non-polar, at codon 331 of the EIF2AK1 protein (p.Ala331Pro). This variant is not present in population databases (gnomAD no frequency). This variant has not been reported in the literature in individuals affected with EIF2AK1-related conditions. ClinVar contains an entry for this variant (Variation ID: 2076945). An algorithm developed to predict the effect of missense changes on protein structure and function (PolyPhen-2) suggests that this variant is likely to be disruptive. In summary, the available evidence is currently insufficient to determine the role of this variant in disease. Therefore, it has been classified as a Variant of Uncertain Significance.